The following is an entry in ClinVar:

ClinVar aggregate classification (germline): Conflicting classifications of pathogenicity. Review status: criteria provided, conflicting classifications (1 of 4 stars). 4 submissions from 4 submitters: Uncertain significance (3); Likely benign (1). Last evaluated 2025-01-19.

Conditions:
Hereditary breast ovarian cancer syndrome. Also called: BRCA1- and BRCA2-Associated Hereditary Breast and Ovarian Cancer; Hereditary breast and ovarian cancer syndrome; Hereditary breast and ovarian cancer; Hereditary breast and ovarian cancer syndrome (HBOC); Breast and ovarian cancer; Hereditary breast and/or ovarian cancer syndrome. Identifiers: Orphanet 145, MedGen C0677776, MeSH D061325, MONDO:0003582. Disease mechanism: loss of function.
Hereditary cancer-predisposing syndrome. Also called: Neoplastic Syndromes, Hereditary; Tumor predisposition; Hereditary Cancer Syndrome; Hereditary neoplastic syndrome. Identifiers: Orphanet 140162, MedGen C0027672, MeSH D009386, MONDO:0015356.

Submissions (4):

Ambry Genetics
Classification: Uncertain significance for Hereditary cancer-predisposing syndrome. Last evaluated: 2025-01-19. Review status: criteria provided, single submitter. Criteria: Ambry Variant Classification Scheme 2023. Collection method: clinical testing. Allele origin: germline.
Comment: The p.I1349S variant (also known as c.4046T>G), located in coding exon 10 of the BRCA2 gene, results from a T to G substitution at nucleotide position 4046. The isoleucine at codon 1349 is replaced by serine, an amino acid with dissimilar properties. This amino acid position is not conserved and serine is a reference amino acid in several species. In addition, the in silico prediction for this alteration is inconclusive. Based on the available evidence, the clinical significance of this variant remains unclear.

Labcorp Genetics (formerly Invitae), Labcorp
Classification: Uncertain significance for Hereditary breast ovarian cancer syndrome. Last evaluated: 2024-07-15. Review status: criteria provided, single submitter. Criteria: Invitae Variant Classification Sherloc (09022015). Collection method: clinical testing. Allele origin: germline.
Comment: This sequence change replaces isoleucine, which is neutral and non-polar, with serine, which is neutral and polar, at codon 1349 of the BRCA2 protein (p.Ile1349Ser). This variant is not present in population databases (gnomAD no frequency). This variant has not been reported in the literature in individuals affected with BRCA2-related conditions. ClinVar contains an entry for this variant (Variation ID: 920033). Advanced modeling of protein sequence and biophysical properties (such as structural, functional, and spatial information, amino acid conservation, physicochemical variation, residue mobility, and thermodynamic stability) performed at Invitae indicates that this missense variant is not expected to disrupt BRCA2 protein function with a negative predictive value of 95%. In summary, the available evidence is currently insufficient to determine the role of this variant in disease. Therefore, it has been classified as a Variant of Uncertain Significance.

University of Washington Department of Laboratory Medicine, University of Washington
Classification: Likely benign for Hereditary cancer-predisposing syndrome. Last evaluated: 2023-03-23. Review status: criteria provided, single submitter. Criteria: Dines et al. (Genet Med. 2020). Collection method: curation. Allele origin: germline.
Comment: Missense variant in a coldspot region where missense variants are very unlikely to be pathogenic (PMID:31911673).

BRCA2 exon 11 coldspot. Reclassification based on statistical prior probability.

Color Diagnostics, LLC DBA Color Health
Classification: Uncertain significance for Hereditary cancer-predisposing syndrome. Last evaluated: 2020-02-03. Review status: criteria provided, single submitter. Criteria: ACMG Guidelines, 2015. Collection method: clinical testing. Allele origin: germline.
Comment: This missense variant replaces isoleucine with serine at codon 1349 of the BRCA2 protein. Computational prediction suggests that this variant may not impact protein structure and function (internally defined REVEL score threshold <= 0.5, PMID: 27666373). Splice site prediction tools suggest that this variant may not impact RNA splicing. To our knowledge, functional studies have not been performed for this variant. This variant has not been reported in individuals affected with hereditary cancer in the literature. This variant has not been identified in the general population by the Genome Aggregation Database (gnomAD). The available evidence is insufficient to determine the role of this variant in disease conclusively. Therefore, this variant is classified as a Variant of Uncertain Significance.

NM_000059.4(BRCA2):c.4046T>G (p.Ile1349Ser)

Gene: BRCA2 (BRCA2 DNA repair associated; plus strand). Cytogenetic location: 13q13.1.
Variant type: single nucleotide variant.
Coding change: c.4046T>G on transcript NM_000059.4 (MANE Select); coding-DNA position 4046, T replaced by G.
Protein change: p.Ile1349Ser; replaces isoleucine 1349 with serine.
Molecular consequence: missense variant.
Genome position (GRCh38, 1-based): chr13:32,338,401, T>G. VCF-style: chr13-32338401-T-G. GRCh37 (hg19) VCF-style: chr13-32912538-T-G.
Other names: short protein forms I1349S.
Identifiers: ClinVar variation 920033 (VCV000920033.8), dbSNP rs80358654, ClinGen allele CA387779097.